The following is an entry in ClinVar:

NM_173628.4(DNAH17):c.11125G>A (p.Glu3709Lys)

Gene: DNAH17 (dynein axonemal heavy chain 17; minus strand). Cytogenetic location: 17q25.3.
Variant type: single nucleotide variant.
Coding change: c.11125G>A on transcript NM_173628.4 (MANE Select); coding-DNA position 11125, G replaced by A.
Protein change: p.Glu3709Lys; replaces glutamic acid 3709 with lysine.
Molecular consequence: missense variant.
Genome position (GRCh38, 1-based): chr17:78,449,500, C>T on the plus strand (G>A on the coding strand, the complement: DNAH17 is on the minus strand). VCF-style: chr17-78449500-C-T. GRCh37 (hg19) VCF-style: chr17-76445582-C-T.
Other names: short protein forms E3709K.
Identifiers: ClinVar variation 4991784 (VCV004991784.1).

ClinVar aggregate classification (germline): Uncertain significance (1 of 4 stars; one submission).

Conditions:
DNAH17-related disorder. Also called: DNAH17-related condition.

gnomAD v4.1: 10 of 1,582,904 alleles (0.00063%); highest among the groups gnomAD compares: African/African-American, 0.0013%; no homozygotes.

Submission:

PreventionGenetics, part of Exact Sciences
Classification: Uncertain significance for DNAH17-related condition. Last evaluated: 2025-11-06. Review status: criteria provided, single submitter. Criteria: ACMG Guidelines, 2015. Collection method: clinical testing. Allele origin: germline.
Comment: The DNAH17 c.11125G>A variant is predicted to result in the amino acid substitution p.Glu3709Lys. To our knowledge, this variant has not been reported in the literature. This variant is reported in 0.0034% of alleles in individuals of European (Non-Finnish) descent in gnomAD. At this time, the clinical significance of this variant is uncertain due to the absence of conclusive functional and genetic evidence.